The following is an entry in ClinVar:

ClinVar aggregate classification (germline): Uncertain significance. Review status: criteria provided, multiple submitters, no conflicts (2 of 4 stars). 2 submissions from 2 submitters: Uncertain significance (2). Last evaluated 2024-04-14.

Conditions:
Hereditary cancer-predisposing syndrome. Also called: Neoplastic Syndromes, Hereditary; Hereditary Cancer Syndrome; Hereditary neoplastic syndrome; Tumor predisposition. Identifiers: Orphanet 140162, MedGen C0027672, MeSH D009386, MONDO:0015356.
Neurofibromatosis, type 2 (SWNV). Also called: BILATERAL ACOUSTIC NEUROFIBROMATOSIS; SCHWANNOMATOSIS, VESTIBULAR; NF2-Related Schwannomatosis. Identifiers: Orphanet 637, MedGen C0027832, MONDO:0007039, OMIM 101000. Disease mechanism: loss of function.

Submissions (2):

Ambry Genetics
Classification: Uncertain significance for Hereditary cancer-predisposing syndrome. Last evaluated: 2024-04-14. Review status: criteria provided, single submitter. Criteria: Ambry Variant Classification Scheme 2023. Collection method: clinical testing. Allele origin: germline.
Comment: The p.K579Q variant (also known as c.1735A>C), located in coding exon 15 of the NF2 gene, results from an A to C substitution at nucleotide position 1735. The lysine at codon 579 is replaced by glutamine, an amino acid with similar properties. This amino acid position is conserved. In addition, the in silico prediction for this alteration is inconclusive. Based on the available evidence, the clinical significance of this variant remains unclear.

Labcorp Genetics (formerly Invitae), Labcorp
Classification: Uncertain significance for Neurofibromatosis, type 2. Last evaluated: 2020-05-27. Review status: criteria provided, single submitter. Criteria: Invitae Variant Classification Sherloc (09022015). Collection method: clinical testing. Allele origin: germline.
Comment: This sequence change replaces lysine with glutamine at codon 579 of the NF2 protein (p.Lys579Gln). The lysine residue is moderately conserved and there is a small physicochemical difference between lysine and glutamine. This variant is not present in population databases (ExAC no frequency). This variant has not been reported in the literature in individuals with NF2-related conditions. Algorithms developed to predict the effect of missense changes on protein structure and function (SIFT, PolyPhen-2, Align-GVGD) all suggest that this variant is likely to be tolerated, but these predictions have not been confirmed by published functional studies and their clinical significance is uncertain. In summary, the available evidence is currently insufficient to determine the role of this variant in disease. Therefore, it has been classified as a Variant of Uncertain Significance.

NM_000268.4(NF2):c.1735A>C (p.Lys579Gln)

Gene: NF2 (NF2, moesin-ezrin-radixin like (MERLIN) tumor suppressor; plus strand). Cytogenetic location: 22q12.2.
Variant type: single nucleotide variant.
Coding change: c.1735A>C on transcript NM_000268.4 (MANE Select); coding-DNA position 1735, A replaced by C.
Protein change: p.Lys579Gln; replaces lysine 579 with glutamine.
Molecular consequence: missense variant. On other transcripts: non-coding transcript variant (1), intron variant (1).
Genome position (GRCh38, 1-based): chr22:29,681,599, A>C. VCF-style: chr22-29681599-A-C. GRCh37 (hg19) VCF-style: chr22-30077588-A-C.
Other names: c.1735A>C (NM_000268.3); c.1735A>C, p.Lys579Gln (NM_016418.5, NM_181825.3, NM_181832.3); c.1609A>C, p.Lys537Gln (NM_181828.3); c.1612A>C, p.Lys538Gln (NM_181829.3); c.1486A>C, p.Lys496Gln (NM_181830.3, NM_181831.3); c.448-13153A>C (NM_181833.3); short protein forms K496Q, K537Q, K538Q, K579Q.
Identifiers: ClinVar variation 1001340 (VCV001001340.10), dbSNP rs2067138432, ClinGen allele CA411150546.